The following is an entry in ClinVar:

NM_001127644.2(GABRA1):c.1352C>T (p.Ala451Val)

Gene: GABRA1 (gamma-aminobutyric acid type A receptor subunit alpha1; plus strand). Cytogenetic location: 5q34.
Variant type: single nucleotide variant.
Coding change: c.1352C>T on transcript NM_001127644.2 (MANE Select); coding-DNA position 1352, C replaced by T.
Protein change: p.Ala451Val; replaces alanine 451 with valine.
Molecular consequence: missense variant.
Genome position (GRCh38, 1-based): chr5:161,897,403, C>T. VCF-style: chr5-161897403-C-T. GRCh37 (hg19) VCF-style: chr5-161324409-C-T.
Other names: c.1352C>T, p.Ala451Val (NM_000806.5, NM_001127643.2, NM_001127645.2 and 1 more transcripts); short protein forms A451V.
Identifiers: ClinVar variation 3750466 (VCV003750466.2).

ClinVar aggregate classification (germline): Uncertain significance (1 of 4 stars; one submission).

Conditions:
Idiopathic generalized epilepsy. Also called: Generalised epilepsy; EIG. Identifiers: MedGen C0270850, MONDO:0005579, OMIM 600669.
Epilepsy, idiopathic generalized, susceptibility to, 13. Also called: EPILEPSY, JUVENILE MYOCLONIC, SUSCEPTIBILITY TO, 5. Identifiers: Orphanet 307, Orphanet 64280, MedGen C4013473, MONDO:0012627, OMIM 611136.
Epilepsy, childhood absence 4 (ECA4). Also called: EPILEPSY, CHILDHOOD ABSENCE, SUSCEPTIBILITY TO, 4. Identifiers: Orphanet 307, MedGen C1970160.

Submission:

Labcorp Genetics (formerly Invitae), Labcorp
Classification: Uncertain significance for Epilepsy, childhood absence 4; Epilepsy, idiopathic generalized, susceptibility to, 13; Idiopathic generalized epilepsy. Last evaluated: 2025-06-12. Review status: criteria provided, single submitter. Criteria: Invitae Variant Classification Sherloc (09022015). Collection method: clinical testing. Allele origin: germline.
Comment: This sequence change replaces alanine, which is neutral and non-polar, with valine, which is neutral and non-polar, at codon 451 of the GABRA1 protein (p.Ala451Val). This variant is not present in population databases (gnomAD no frequency). This variant has not been reported in the literature in individuals affected with GABRA1-related conditions. ClinVar contains an entry for this variant (Variation ID: 3750466). Invitae Evidence Modeling of protein sequence and biophysical properties (such as structural, functional, and spatial information, amino acid conservation, physicochemical variation, residue mobility, and thermodynamic stability) indicates that this missense variant is not expected to disrupt GABRA1 protein function with a negative predictive value of 80%. In summary, the available evidence is currently insufficient to determine the role of this variant in disease. Therefore, it has been classified as a Variant of Uncertain Significance.